The following is an entry in ClinVar:

ClinVar aggregate classification (germline): Uncertain significance. Review status: criteria provided, multiple submitters, no conflicts (2 of 4 stars). 7 submissions from 7 submitters: Uncertain significance (7). Last evaluated 2026-01-31.

Conditions:
Hereditary cancer-predisposing syndrome. Also called: Tumor predisposition; Hereditary neoplastic syndrome; Hereditary Cancer Syndrome; Neoplastic Syndromes, Hereditary. Identifiers: Orphanet 140162, MedGen C0027672, MeSH D009386, MONDO:0015356.
Carney-Stratakis syndrome. Also called: PARAGANGLIOMA AND GASTROINTESTINAL STROMAL TUMOR. Identifiers: Orphanet 97286, MedGen C1847319, MONDO:0011740, OMIM 606864.
Pheochromocytoma/paraganglioma syndrome 4. Also called: SDHB-Related Hereditary Paraganglioma-Pheochromocytoma Syndrome (Paragangliomas 4); PARAGANGLIOMA, FAMILIAL MALIGNANT; PARAGANGLIOMAS, HEREDITARY EXTRAADRENAL; PHEOCHROMOCYTOMA, FAMILIAL EXTRAADRENAL; Paragangliomas 4; CAROTID BODY TUMORS AND MULTIPLE EXTRAADRENAL PHEOCHROMOCYTOMAS. Identifiers: Orphanet 29072, MedGen C1861848, MONDO:0007273, OMIM 115310.
Gastrointestinal stromal tumor. Also called: Gastrointestinal stroma tumor; Gastrointestinal stromal tumor, somatic. Identifiers: Orphanet 44890, MedGen C0238198, MeSH D046152, MONDO:0011719, OMIM 606764, HP:0100723.
Mitochondrial complex 2 deficiency, nuclear type 4. Also called: MITOCHONDRIAL COMPLEX II DEFICIENCY, NUCLEAR TYPE 4. Identifiers: MedGen C5543176, MONDO:0030974, OMIM 619224.
Pheochromocytoma. Also called: MAX-Related Hereditary Paraganglioma-Pheochromocytoma Syndrome. Identifiers: Orphanet 29072, MedGen C0031511, MONDO:0008233, OMIM 171300, HP:0002666.
Hereditary pheochromocytoma and paraganglioma. Also called: Hereditary paragangliomas and pheochromocytomas; Hereditary Paraganglioma-Pheochromocytoma Syndromes; Hereditary pheochromocytoma-paraganglioma. Identifiers: Orphanet 29072, MedGen C4274332, MONDO:0017366.

Allele frequency attached by ClinVar (database versions not stated): gnomAD 0.00001; gnomAD exomes 0.00001 and 0.00003; TOPMed 0.00001.

Submissions (7):

Labcorp Genetics (formerly Invitae), Labcorp
Classification: Uncertain significance for Gastrointestinal stromal tumor; Pheochromocytoma/paraganglioma syndrome 4; Pheochromocytoma. Last evaluated: 2026-01-31. Review status: criteria provided, single submitter. Criteria: Invitae Variant Classification Sherloc (09022015). Collection method: clinical testing. Allele origin: germline.
Comment: This sequence change replaces glutamic acid, which is acidic and polar, with lysine, which is basic and polar, at codon 185 of the SDHB protein (p.Glu185Lys). This variant is present in population databases (no rsID available, gnomAD 0.002%). This variant has not been reported in the literature in individuals affected with SDHB-related conditions. ClinVar contains an entry for this variant (Variation ID: 486418). Invitae Evidence Modeling of protein sequence and biophysical properties (such as structural, functional, and spatial information, amino acid conservation, physicochemical variation, residue mobility, and thermodynamic stability) indicates that this missense variant is expected to disrupt SDHB protein function with a positive predictive value of 80%. In summary, the available evidence is currently insufficient to determine the role of this variant in disease. Therefore, it has been classified as a Variant of Uncertain Significance.

Color Diagnostics, LLC DBA Color Health
Classification: Uncertain significance for Hereditary pheochromocytoma and paraganglioma. Last evaluated: 2025-08-12. Review status: criteria provided, single submitter. Criteria: ACMG Guidelines, 2015. Collection method: clinical testing. Allele origin: germline.
Comment: This missense variant replaces glutamic acid with lysine at codon 185 of the SDHB protein. Computational prediction suggests that this variant may have deleterious impact on protein structure and function. To our knowledge, functional studies have not been reported for this variant. This variant has not been reported in individuals affected with SDHB-related disorders in the literature. This variant has been identified in 2/250428 chromosomes in the general population by the Genome Aggregation Database (gnomAD). The available evidence is insufficient to determine the role of this variant in disease conclusively. Therefore, this variant is classified as a Variant of Uncertain Significance.

Quest Diagnostics Nichols Institute San Juan Capistrano
Classification: Uncertain significance. Last evaluated: 2025-05-28. Review status: criteria provided, single submitter. Criteria: Quest Diagnostics criteria. Collection method: clinical testing. Allele origin: unknown.

Ambry Genetics
Classification: Uncertain significance for Hereditary cancer-predisposing syndrome. Last evaluated: 2025-01-15. Review status: criteria provided, single submitter. Criteria: Ambry Variant Classification Scheme 2023. Collection method: clinical testing. Allele origin: germline.
Comment: The p.E185K variant (also known as c.553G>A), located in coding exon 6 of the SDHB gene, results from a G to A substitution at nucleotide position 553. The glutamic acid at codon 185 is replaced by lysine, an amino acid with similar properties. This amino acid position is highly conserved in available vertebrate species. In addition, this alteration is predicted to be deleterious by in silico analysis. Since supporting evidence is limited at this time, the clinical significance of this alteration remains unclear.

GeneDx
Classification: Uncertain significance. Last evaluated: 2024-06-27. Review status: criteria provided, single submitter. Criteria: GeneDx Variant Classification Process June 2021. Collection method: clinical testing. Allele origin: germline. Affected: yes.
Comment: Observed in at least one individual with a personal history of pheochromocytoma and/or paraganglioma (PMID: 34906457); In silico analysis supports that this missense variant has a deleterious effect on protein structure/function; Not observed at significant frequency in large population cohorts (gnomAD); This variant is associated with the following publications: (PMID: 34906457, 38473309)

Fulgent Genetics
Classification: Uncertain significance for Pheochromocytoma/paraganglioma syndrome 4; Gastrointestinal stromal tumor; Carney-Stratakis syndrome; Mitochondrial complex 2 deficiency, nuclear type 4. Last evaluated: 2024-05-14. Review status: criteria provided, single submitter. Criteria: ACMG Guidelines, 2015. Collection method: clinical testing. Allele origin: germline.

All of Us Research Program, National Institutes of Health
Classification: Uncertain significance for Hereditary pheochromocytoma and paraganglioma. Last evaluated: 2023-06-26. Review status: criteria provided, single submitter. Criteria: ACMG Guidelines, 2015. Collection method: clinical testing. Allele origin: germline. Inheritance: Autosomal dominant inheritance. Observed: 4 variant alleles, 4 heterozygotes.
Comment: This missense variant replaces glutamic acid with lysine at codon 185 of the SDHB protein. Computational prediction suggests that this variant may have deleterious impact on protein structure and function (internally defined REVEL score threshold >= 0.7, PMID: 27666373). To our knowledge, functional studies have not been reported for this variant. This variant has not been reported in individuals affected with SDHB-related disorders in the literature. This variant has been identified in 2/250428 chromosomes in the general population by the Genome Aggregation Database (gnomAD). The available evidence is insufficient to determine the role of this variant in disease conclusively. Therefore, this variant is classified as a Variant of Uncertain Significance.

This study involves interpretation of variants in research participants for the purpose of population health screening. Participant phenotype was not available at the time of variant classification. Additional details can be found in publication PMID: 35346344, PMCID: PMC8962531

NM_003000.3(SDHB):c.553G>A (p.Glu185Lys)

Gene: SDHB (succinate dehydrogenase complex iron sulfur subunit B; minus strand). Cytogenetic location: 1p36.13.
Variant type: single nucleotide variant.
Coding change: c.553G>A on transcript NM_003000.3 (MANE Select); coding-DNA position 553, G replaced by A.
Protein change: p.Glu185Lys; replaces glutamic acid 185 with lysine.
Molecular consequence: missense variant.
Genome position (GRCh38, 1-based): chr1:17,024,062, C>T on the plus strand (G>A on the coding strand, the complement: SDHB is on the minus strand). VCF-style: chr1-17024062-C-T. GRCh37 (hg19) VCF-style: chr1-17350557-C-T.
Other names: short protein forms E185K.
Identifiers: ClinVar variation 486418 (VCV000486418.20), dbSNP rs1045881797, ClinGen allele CA18663233.
Genomic context (GRCh38, chr1:17,024,062, plus strand): 5'-TGTCTCCGTTCCACCAGTAGCTGGGGCAGCTGGTGCTACAGCAGGCACAGAGAATGCACT[C>T]GTAGAGCCCGTCCTGTATGGGGAGAAAAGAGAGGCAGGAGCTTGTGACGGGAGAGACTCT-3'
Protein context (NP_002991.2, residues 175-195): EEREKLDGLY[Glu185Lys]CILCACCSTS